The following is an entry in ClinVar:

ClinVar aggregate classification (germline): Uncertain significance. Review status: criteria provided, multiple submitters, no conflicts (2 of 4 stars). 4 submissions from 4 submitters: Uncertain significance (4). Last evaluated 2024-03-06.

Conditions:
Familial thoracic aortic aneurysm and aortic dissection (TAAD). Also called: Thoracic aortic aneurysms and dissections. Identifiers: Orphanet 91387, MedGen C4707243, MONDO:0019625.
Marfan syndrome (MFS). Also called: Marfan syndrome, classic; Marfan syndrome type 1; Marfan's syndrome; FBN1-Related Marfan Syndrome; MARFAN SYNDROME, TYPE I. Identifiers: Orphanet 284963, Orphanet 558, MedGen C0024796, MONDO:0007947, OMIM 154700.

Allele frequency attached by ClinVar (database versions not stated): TOPMed below 0.00001.

Submissions (4):

Color Diagnostics, LLC DBA Color Health
Classification: Uncertain significance for Familial thoracic aortic aneurysm and aortic dissection. Last evaluated: 2024-03-06. Review status: criteria provided, single submitter. Criteria: ACMG Guidelines, 2015. Collection method: clinical testing. Allele origin: germline.
Comment: This missense variant replaces arginine with serine at codon 44 of the FBN1 protein. Computational prediction suggests that this variant may not impact protein structure and function (internally defined REVEL score threshold <= 0.5, PMID: 27666373). To our knowledge, functional studies have not been reported for this variant. This variant has not been reported in individuals affected with FBN1-related disorders in the literature. This variant has not been identified in the general population by the Genome Aggregation Database (gnomAD). The available evidence is insufficient to determine the role of this variant in disease conclusively. Therefore, this variant is classified as a Variant of Uncertain Significance.

All of Us Research Program, National Institutes of Health
Classification: Uncertain significance for Marfan syndrome. Last evaluated: 2023-12-13. Review status: criteria provided, single submitter. Criteria: ACMG Guidelines, 2015. Collection method: clinical testing. Allele origin: germline. Inheritance: Autosomal dominant inheritance. Observed: 1 variant allele, 1 heterozygote.
Comment: This missense variant replaces arginine with serine at codon 44 of the FBN1 protein. Computational prediction suggests that this variant may not impact protein structure and function (internally defined REVEL score threshold <= 0.5, PMID: 27666373). To our knowledge, functional studies have not been reported for this variant. This variant has not been reported in individuals affected with cardiovascular disorders in the literature. This variant has not been identified in the general population by the Genome Aggregation Database (gnomAD). The available evidence is insufficient to determine the role of this variant in disease conclusively. Therefore, this variant is classified as a Variant of Uncertain Significance.

This study involves interpretation of variants in research participants for the purpose of population health screening. Participant phenotype was not available at the time of variant classification. Additional details can be found in publication PMID: 35346344, PMCID: PMC8962531

Labcorp Genetics (formerly Invitae), Labcorp
Classification: Uncertain significance for Marfan syndrome; Familial thoracic aortic aneurysm and aortic dissection. Last evaluated: 2023-01-15. Review status: criteria provided, single submitter. Criteria: Invitae Variant Classification Sherloc (09022015). Collection method: clinical testing. Allele origin: germline.
Comment: This sequence change replaces arginine, which is basic and polar, with serine, which is neutral and polar, at codon 44 of the FBN1 protein (p.Arg44Ser). This variant is not present in population databases (gnomAD no frequency). This variant has not been reported in the literature in individuals affected with FBN1-related conditions. ClinVar contains an entry for this variant (Variation ID: 926786). Advanced modeling of protein sequence and biophysical properties (such as structural, functional, and spatial information, amino acid conservation, physicochemical variation, residue mobility, and thermodynamic stability) has been performed at Invitae for this missense variant, however the output from this modeling did not meet the statistical confidence thresholds required to predict the impact of this variant on FBN1 protein function. In summary, the available evidence is currently insufficient to determine the role of this variant in disease. Therefore, it has been classified as a Variant of Uncertain Significance.

Ambry Genetics
Classification: Uncertain significance for Familial thoracic aortic aneurysm and aortic dissection. Last evaluated: 2020-07-21. Review status: criteria provided, single submitter. Criteria: Ambry Variant Classification Scheme 2023. Collection method: clinical testing. Allele origin: germline.
Comment: The p.R44S variant (also known as c.132A>T), located in coding exon 1 of the FBN1 gene, results from an A to T substitution at nucleotide position 132. The arginine at codon 44 is replaced by serine, an amino acid with dissimilar properties. This amino acid position is highly conserved in available vertebrate species. In addition, the in silico prediction for this alteration is inconclusive. Since supporting evidence is limited at this time, the clinical significance of this alteration remains unclear.

NM_000138.5(FBN1):c.132A>T (p.Arg44Ser)

Gene: FBN1 (fibrillin 1; minus strand). Cytogenetic location: 15q21.1.
Variant type: single nucleotide variant.
Coding change: c.132A>T on transcript NM_000138.5 (MANE Select); coding-DNA position 132, A replaced by T.
Protein change: p.Arg44Ser; replaces arginine 44 with serine.
Molecular consequence: missense variant.
Genome position (GRCh38, 1-based): chr15:48,644,638, T>A on the plus strand (A>T on the coding strand, the complement: FBN1 is on the minus strand). VCF-style: chr15-48644638-T-A. GRCh37 (hg19) VCF-style: chr15-48936835-T-A.
Other names: short protein forms R44S.
Identifiers: ClinVar variation 926786 (VCV000926786.12), dbSNP rs1890259134, ClinGen allele CA392453543.